The following is an entry in ClinVar:

ClinVar aggregate classification (germline): Likely benign. Review status: criteria provided, single submitter (1 of 4 stars). 2 submissions from 2 submitters: Likely benign (1). 1 of the submissions does not count toward it. Last evaluated 2026-01-15.

Conditions:
HNRNPK-related disorder. Also called: HNRNPK-related condition.

Allele frequency attached by ClinVar (database versions not stated): ExAC 0.00007; gnomAD exomes 0.00007; ESP Exome Variant Server 0.00008; gnomAD 0.00008; TOPMed 0.00014; 1000 Genomes Project 30x 0.00016; 1000 Genomes Project 0.00020.

Submissions (2):

Labcorp Genetics (formerly Invitae), Labcorp
Classification: Likely benign. Last evaluated: 2026-01-15. Review status: criteria provided, single submitter. Criteria: Invitae Variant Classification Sherloc (09022015). Collection method: clinical testing. Allele origin: germline.

PreventionGenetics, part of Exact Sciences
Classification: Likely benign for HNRNPK-related condition. Last evaluated: 2019-06-06. Review status: no assertion criteria provided. Collection method: clinical testing. Allele origin: germline. Not counted in ClinVar's aggregate classification.
Comment: This variant is classified as likely benign based on ACMG/AMP sequence variant interpretation guidelines (Richards et al. 2015 PMID: 25741868, with internal and published modifications).

NM_031263.4(HNRNPK):c.45C>T (p.Thr15=)

Gene: HNRNPK (heterogeneous nuclear ribonucleoprotein K; minus strand). Cytogenetic location: 9q21.32.
Variant type: single nucleotide variant.
Coding change: c.45C>T on transcript NM_031263.4 (MANE Select); coding-DNA position 45, C replaced by T.
Protein change: p.Thr15=; no amino-acid change (threonine 15 retained).
Molecular consequence: synonymous variant.
Genome position (GRCh38, 1-based): chr9:83,978,208, G>A on the plus strand (C>T on the coding strand, the complement: HNRNPK is on the minus strand). VCF-style: chr9-83978208-G-A. GRCh37 (hg19) VCF-style: chr9-86593123-G-A.
Other names: c.45C>T, p.Thr15= (NM_001318186.2, NM_001318187.2, NM_001318188.2 and 2 more transcripts).
Identifiers: ClinVar variation 800070 (VCV000800070.11), dbSNP rs199952772, ClinGen allele CA5104337.